The following is an entry in ClinVar:

NM_025215.6(PUS1):c.841G>A (p.Val281Met)

Gene: PUS1 (pseudouridine synthase 1; plus strand). Cytogenetic location: 12q24.33.
Variant type: single nucleotide variant.
Coding change: c.841G>A on transcript NM_025215.6 (MANE Select); coding-DNA position 841, G replaced by A.
Protein change: p.Val281Met; replaces valine 281 with methionine.
Molecular consequence: missense variant.
Genome position (GRCh38, 1-based): chr12:131,941,588, G>A. VCF-style: chr12-131941588-G-A. GRCh37 (hg19) VCF-style: chr12-132426133-G-A.
Other names: p.V281M:GTG>ATG; c.757G>A, p.Val253Met (NM_001002019.3, NM_001002020.3); short protein forms V253M, V281M.
Identifiers: ClinVar variation 215050 (VCV000215050.10), dbSNP rs776626629, ClinGen allele CA320430.
Genomic context (GRCh38, chr12:131,941,588, plus strand): 5'-CGCTACATCCTGGAGATGTACTGCGAGGAACCCTTTGTGCGGGAGGGCCTGGAGTTTGCG[G>A]TGATCAGGGTGAAGGGCCAGAGCTTCATGATGCATCAGATCCGGAAGATGGTCGGCCTGG-3'
Protein context (NP_079491.2, residues 271-291): PFVREGLEFA[Val281Met]IRVKGQSFMM

ClinVar aggregate classification (germline): Uncertain significance. Review status: criteria provided, multiple submitters, no conflicts (2 of 4 stars). 5 submissions from 5 submitters: Uncertain significance (4). 1 of the submissions does not count toward it. Last evaluated 2025-05-01.

Conditions:
Myopathy, lactic acidosis, and sideroblastic anemia 1 (MLASA1). Identifiers: Orphanet 2598, MedGen C4551958, MONDO:0024553, OMIM 600462.
Inborn genetic diseases. Identifiers: MedGen C0950123, MeSH D030342.

Allele frequency attached by ClinVar (database versions not stated): gnomAD 0.00002 and 0.00003; gnomAD exomes 0.00003 and 0.00010; TOPMed 0.00007; ExAC 0.00010.
gnomAD v4.1: 41 of 1,614,114 alleles (0.0025%); highest among the groups gnomAD compares: Admixed American, 0.05%; no homozygotes.

Submissions (5):

Ambry Genetics
Classification: Uncertain significance for Inborn genetic diseases. Last evaluated: 2025-05-01. Review status: criteria provided, single submitter. Criteria: Ambry Variant Classification Scheme 2023. Collection method: clinical testing. Allele origin: germline.

Labcorp Genetics (formerly Invitae), Labcorp
Classification: Uncertain significance. Last evaluated: 2022-08-31. Review status: criteria provided, single submitter. Criteria: Invitae Variant Classification Sherloc (09022015). Collection method: clinical testing. Allele origin: germline.
Comment: This sequence change replaces valine, which is neutral and non-polar, with methionine, which is neutral and non-polar, at codon 281 of the PUS1 protein (p.Val281Met). This variant is present in population databases (rs776626629, gnomAD 0.08%). This variant has not been reported in the literature in individuals affected with PUS1-related conditions. ClinVar contains an entry for this variant (Variation ID: 215050). Algorithms developed to predict the effect of missense changes on protein structure and function are either unavailable or do not agree on the potential impact of this missense change (SIFT: "Tolerated"; PolyPhen-2: "Probably Damaging"; Align-GVGD: "Class C0"). In summary, the available evidence is currently insufficient to determine the role of this variant in disease. Therefore, it has been classified as a Variant of Uncertain Significance.

Illumina Laboratory Services, Illumina
Classification: Uncertain significance for Myopathy, lactic acidosis, and sideroblastic anemia 1. Last evaluated: 2018-01-12. Review status: criteria provided, single submitter. Criteria: ICSL Variant Classification Criteria 13 December 2019. Collection method: clinical testing. Allele origin: germline.

GeneDx
Classification: Uncertain significance. Last evaluated: 2015-07-29. Review status: criteria provided, single submitter. Criteria: GeneDx Variant Classification (06012015). Collection method: clinical testing. Allele origin: germline. Affected: yes.
Comment: p.Val281Met (GTG>ATG): c.841 G>A in exon 5 of the PUS1 gene (NM_025215.5) A variant of unknown significance has been identified in the PUS1 gene. The V281M variant has not been published as a mutation, nor has it been reported as a benign polymorphism to our knowledge. The V281M variant is a conservative amino acid substitution, which is not likely to impact secondary protein structure as these residues share similar properties. This substitution occurs at a position where amino acids similar to Valine are conserved across species. In silico analysis is inconsistent in its predictions as to whether or not the variant is damaging to the protein structure/function. Therefore, based on the currently available information, it is unclear whether this variant is a pathogenic mutation or a rare benign variant. The variant is found in MITONUC-MITOP panel(s).

Natera, Inc.
Classification: Uncertain significance for Myopathy, lactic acidosis, and sideroblastic anemia 1. Last evaluated: 2020-03-10. Review status: no assertion criteria provided. Collection method: clinical testing. Allele origin: germline. Not counted in ClinVar's aggregate classification.